The following is an entry in ClinVar:

NM_000182.5(HADHA):c.67+17G>C

Genes: HADHA (hydroxyacyl-CoA dehydrogenase trifunctional multienzyme complex subunit alpha; minus strand), HADHB (hydroxyacyl-CoA dehydrogenase trifunctional multienzyme complex subunit beta; plus strand). Cytogenetic location: 2p23.3.
Variant type: single nucleotide variant.
Coding change: c.67+17G>C on transcript NM_000182.5 (MANE Select); 17 bases into the intron after coding-DNA position 67, G replaced by C.
Molecular consequence: intron variant.
Genome position (GRCh38, 1-based): chr2:26,244,513, C>G on the plus strand (G>C on the coding strand, the complement: HADHA is on the minus strand). VCF-style: chr2-26244513-C-G. GRCh37 (hg19) VCF-style: chr2-26467381-C-G.
Identifiers: ClinVar variation 517887 (VCV000517887.18), dbSNP rs574255291, ClinGen allele CA1560006.
Genomic context (GRCh38, chr2:26,244,513, plus strand): 5'-AGACGCGGCTCCGGGGCCACCCCAGTCCCGGCAGGAGTTCTGCCCGGAGGTCTGGGATGC[C>G]CTCGGCCAGGCCTCACCTCGGGAGCGGAGGATCCTGAAGGCAGAAAAGCGGCTGAGGATG-3'

ClinVar aggregate classification (germline): Benign/Likely benign. Review status: criteria provided, multiple submitters, no conflicts (2 of 4 stars). 4 submissions from 4 submitters: Benign (1); Likely benign (3). Last evaluated 2026-01-31.

Conditions:
Long chain 3-hydroxyacyl-CoA dehydrogenase deficiency. Also called: Deficiency of long-chain 3-hydroxyacyl-coenzyme A dehydrogenase; LCHAD Deficiency. Identifiers: Orphanet 5, MedGen C3711645, MONDO:0012173, OMIM 609016.
Mitochondrial trifunctional protein deficiency. Identifiers: Orphanet 746, MedGen C1969443, MONDO:0012172.

Allele frequency attached by ClinVar (database versions not stated): gnomAD 0.00001 and 0.00019; TOPMed 0.00004; 1000 Genomes Project 0.00160; 1000 Genomes Project 30x 0.00172; ExAC 0.00255.
gnomAD v4.1: 613 of 1,566,576 alleles (0.039%); highest among the groups gnomAD compares: South Asian, 0.67%; 5 homozygotes.

Submissions (4):

Labcorp Genetics (formerly Invitae), Labcorp
Classification: Benign for Mitochondrial trifunctional protein deficiency; Long chain 3-hydroxyacyl-CoA dehydrogenase deficiency. Last evaluated: 2026-01-31. Review status: criteria provided, single submitter. Criteria: Invitae Variant Classification Sherloc (09022015). Collection method: clinical testing. Allele origin: germline.

Women's Health and Genetics/Laboratory Corporation of America, LabCorp
Classification: Likely benign. Last evaluated: 2024-12-12. Review status: criteria provided, single submitter. Criteria: LabCorp Variant Classification Summary - May 2015. Collection method: clinical testing. Allele origin: germline.

Blueprint Genetics
Classification: Likely benign. Last evaluated: 2024-09-02. Review status: criteria provided, single submitter. Criteria: ACMG Guidelines, 2015. Collection method: clinical testing. Allele origin: germline.

GeneDx
Classification: Likely benign. Last evaluated: 2017-06-12. Review status: criteria provided, single submitter. Criteria: GeneDx Variant Classification (06012015). Collection method: clinical testing. Allele origin: germline. Affected: yes.
Comment: This variant is considered likely benign or benign based on one or more of the following criteria: it is a conservative change, it occurs at a poorly conserved position in the protein, it is predicted to be benign by multiple in silico algorithms, and/or has population frequency not consistent with disease.